The following is an entry in ClinVar:

ClinVar aggregate classification (germline): Benign/Likely benign. Review status: criteria provided, multiple submitters, no conflicts (2 of 4 stars). 3 submissions from 3 submitters: Benign (2); Likely benign (1). Last evaluated 2026-01-26.

Conditions:
Hereditary spastic paraplegia 73. Also called: Spastic paraplegia 73, autosomal dominant. Identifiers: Orphanet 444099, MedGen C5568981, MONDO:0014568, OMIM 616282.

Allele frequency attached by ClinVar (database versions not stated): 1000 Genomes Project 0.00140; 1000 Genomes Project 30x 0.00156; gnomAD exomes 0.00367 and 0.00658; ExAC 0.00372; TOPMed 0.00419; gnomAD 0.00432 and 0.00439; ESP Exome Variant Server 0.00546.
gnomAD v4.1: 10,249 of 1,614,164 alleles (0.63%); highest among the groups gnomAD compares: Non-Finnish European, 0.77%; 35 homozygotes.

Submissions (3):

Labcorp Genetics (formerly Invitae), Labcorp
Classification: Benign for Hereditary spastic paraplegia 73. Last evaluated: 2026-01-26. Review status: criteria provided, single submitter. Criteria: Invitae Variant Classification Sherloc (09022015). Collection method: clinical testing. Allele origin: germline.

CeGaT Center for Human Genetics Tuebingen
Classification: Likely benign. Last evaluated: 2024-12-01. Review status: criteria provided, single submitter. Criteria: CeGaT Center For Human Genetics Tuebingen Variant Classification Criteria Version 2. Collection method: clinical testing. Allele origin: germline. Affected: yes. Observed: 6 variant alleles.
Comment: CPT1C: BP4, BS2

Breakthrough Genomics
Classification: Benign. Review status: criteria provided, single submitter. Criteria: ACMG Guidelines, 2015. Collection method: not provided. Allele origin: germline. Inheritance: Autosomal dominant inheritance. Affected: yes.

NM_001199753.2(CPT1C):c.1731+7T>A

Gene: CPT1C (carnitine palmitoyltransferase 1C; plus strand). Cytogenetic location: 19q13.33.
Variant type: single nucleotide variant.
Coding change: c.1731+7T>A on transcript NM_001199753.2 (MANE Select); 7 bases into the intron after coding-DNA position 1731, T replaced by A.
Molecular consequence: intron variant.
Genome position (GRCh38, 1-based): chr19:49,710,491, T>A. VCF-style: chr19-49710491-T-A. GRCh37 (hg19) VCF-style: chr19-50213748-T-A.
Other names: c.1698+7T>A (NM_001378485.1, NM_001136052.3, NM_001378487.1); c.1731+7T>A (NM_001378483.1, NM_001199752.3, NM_001378486.1 and 3 more transcripts); c.1797+7T>A (NM_001378482.1).
Identifiers: ClinVar variation 476172 (VCV000476172.37), dbSNP rs201870376, ClinGen allele CA9582269.